The following is an entry in ClinVar:

ClinVar aggregate classification (germline): Uncertain significance (1 of 4 stars; one submission).

Allele frequency attached by ClinVar (database versions not stated): TOPMed 0.00002; gnomAD 0.00004; 1000 Genomes Project 0.00020; 1000 Genomes Project 30x 0.00031.
gnomAD v4.1: 99 of 1,614,000 alleles (0.0061%); highest among the groups gnomAD compares: South Asian, 0.091%; no homozygotes.

Submission:

Labcorp Genetics (formerly Invitae), Labcorp
Classification: Uncertain significance. Last evaluated: 2022-02-21. Review status: criteria provided, single submitter. Criteria: Invitae Variant Classification Sherloc (09022015). Collection method: clinical testing. Allele origin: germline.
Comment: This sequence change replaces aspartic acid, which is acidic and polar, with valine, which is neutral and non-polar, at codon 323 of the ABCG8 protein (p.Asp323Val). This variant is present in population databases (rs568259494, gnomAD 0.09%). This variant has not been reported in the literature in individuals affected with ABCG8-related conditions. Algorithms developed to predict the effect of missense changes on protein structure and function (SIFT, PolyPhen-2, Align-GVGD) all suggest that this variant is likely to be disruptive. In summary, the available evidence is currently insufficient to determine the role of this variant in disease. Therefore, it has been classified as a Variant of Uncertain Significance.

NM_022437.3(ABCG8):c.968A>T (p.Asp323Val)

Gene: ABCG8 (ATP binding cassette subfamily G member 8; plus strand). Cytogenetic location: 2p21.
Variant type: single nucleotide variant.
Coding change: c.968A>T on transcript NM_022437.3 (MANE Select); coding-DNA position 968, A replaced by T.
Protein change: p.Asp323Val; replaces aspartic acid 323 with valine.
Molecular consequence: missense variant.
Genome position (GRCh38, 1-based): chr2:43,871,979, A>T. VCF-style: chr2-43871979-A-T. GRCh37 (hg19) VCF-style: chr2-44099118-A-T.
Other names: c.968A>T, p.Asp323Val (NM_001357321.2); short protein forms D323V.
Identifiers: ClinVar variation 2147295 (VCV002147295.3), dbSNP rs568259494, ClinGen allele CA1637236.